The following is an entry in ClinVar:

ClinVar aggregate classification (germline): Uncertain significance. Review status: criteria provided, multiple submitters, no conflicts (2 of 4 stars). 4 submissions from 4 submitters: Uncertain significance (4). Last evaluated 2025-07-29.

Conditions:
PKD2-related disorder. Also called: PKD2-related condition.
Autosomal dominant polycystic kidney disease. Identifiers: Orphanet 730, MedGen C0085413, MONDO:0004691.
Polycystic kidney disease 2 (PKD2). Also called: Polycystic Kidney Disease 2, Autosomal Dominant; POLYCYSTIC KIDNEY DISEASE, ADULT, TYPE II; POLYCYSTIC KIDNEY DISEASE 2 WITH OR WITHOUT POLYCYSTIC LIVER DISEASE. Identifiers: MedGen C2751306, MONDO:0013131, OMIM 613095.

Allele frequency attached by ClinVar (database versions not stated): gnomAD exomes 0.00002 and 0.00004; TOPMed 0.00004; gnomAD 0.00005; ExAC 0.00006.
gnomAD v4.1: 32 of 1,593,624 alleles (0.002%); highest among the groups gnomAD compares: Admixed American, 0.0033%; no homozygotes.

Submissions (4):

Women's Health and Genetics/Laboratory Corporation of America, LabCorp
Classification: Uncertain significance. Last evaluated: 2025-07-29. Review status: criteria provided, single submitter. Criteria: LabCorp Variant Classification Summary - May 2015. Collection method: clinical testing. Allele origin: germline.
Comment: Variant summary: PKD2 c.1927G>A (p.Asp643Asn) results in a conservative amino acid change in the encoded protein sequence. Algorithms developed to predict the effect of missense changes on protein structure and function are either unavailable or do not agree on the potential impact of this missense change. The variant allele was found at a frequency of 4e-05 in 251268 control chromosomes. This frequency is not significantly higher than estimated for a pathogenic variant in PKD2 causing Polycystic Kidney Disease 2 (4e-05 vs 0.00013), allowing no conclusion about variant significance. To our knowledge, no occurrence of c.1927G>A in individuals affected with Polycystic Kidney Disease 2 and no experimental evidence demonstrating its impact on protein function have been reported. ClinVar contains an entry for this variant (Variation ID: 1059419). Based on the evidence outlined above, the variant was classified as uncertain significance.

PreventionGenetics, part of Exact Sciences
Classification: Uncertain significance for PKD2-related condition. Last evaluated: 2025-04-28. Review status: criteria provided, single submitter. Criteria: ACMG Guidelines, 2015. Collection method: clinical testing. Allele origin: germline.
Comment: The PKD2 c.1927G>A variant is predicted to result in the amino acid substitution p.Asp643Asn. To our knowledge, this variant has not been reported in individuals with autosomal dominant polycystic kidney disease (ADPKD) in the literature. However, this amino acid change has been reported in a functional study of the ion channel function of polycystin-1 (PC1; encoded by the major ADPKD gene PKD1) in the polycystin-1/polycystin-2 (PC2; encoded by another ADPKD gene PKD2) complex (reported as D643N in Wang et al. 2019. PubMed ID: 31441214). The codon 643 is one of amino acid residues that form the ion selectivity filter of the homomeric PC2 channel and in Wang et al. study the substitution p.Asp643Asn was suggested to affect shifting of the reversal potential (RP) in ion currents in ion selectivity at the pore regions of both PC1 and PC2. This variant is reported in 0.0070% of alleles in individuals of European (non-Finnish) descent in gnomAD. At this time, the clinical significance of this variant is uncertain due to the absence of conclusive functional and genetic evidence.

Labcorp Genetics (formerly Invitae), Labcorp
Classification: Uncertain significance for Autosomal dominant polycystic kidney disease. Last evaluated: 2024-05-31. Review status: criteria provided, single submitter. Criteria: Invitae Variant Classification Sherloc (09022015). Collection method: clinical testing. Allele origin: germline.
Comment: This sequence change replaces aspartic acid, which is acidic and polar, with asparagine, which is neutral and polar, at codon 643 of the PKD2 protein (p.Asp643Asn). This variant is present in population databases (rs748354306, gnomAD 0.006%). This variant has not been reported in the literature in individuals affected with PKD2-related conditions. ClinVar contains an entry for this variant (Variation ID: 1059419). Advanced modeling of protein sequence and biophysical properties (such as structural, functional, and spatial information, amino acid conservation, physicochemical variation, residue mobility, and thermodynamic stability) performed at Invitae indicates that this missense variant is expected to disrupt PKD2 protein function with a positive predictive value of 80%. In summary, the available evidence is currently insufficient to determine the role of this variant in disease. Therefore, it has been classified as a Variant of Uncertain Significance.

Fulgent Genetics
Classification: Uncertain significance for Polycystic kidney disease 2. Last evaluated: 2024-05-25. Review status: criteria provided, single submitter. Criteria: ACMG Guidelines, 2015. Collection method: clinical testing. Allele origin: germline.

NM_000297.4(PKD2):c.1927G>A (p.Asp643Asn)

Gene: PKD2 (polycystin 2, transient receptor potential cation channel; plus strand). Cytogenetic location: 4q22.1.
Variant type: single nucleotide variant.
Coding change: c.1927G>A on transcript NM_000297.4 (MANE Select); coding-DNA position 1927, G replaced by A.
Protein change: p.Asp643Asn; replaces aspartic acid 643 with asparagine.
Molecular consequence: missense variant.
Genome position (GRCh38, 1-based): chr4:88,058,011, G>A. VCF-style: chr4-88058011-G-A. GRCh37 (hg19) VCF-style: chr4-88979163-G-A.
Other names: c.1927G>A (NM_000297.3); short protein forms D643N.
Identifiers: ClinVar variation 1059419 (VCV001059419.13), dbSNP rs748354306, ClinGen allele CA3004089.